The following is an entry in ClinVar:

ClinVar aggregate classification (germline): Uncertain significance (1 of 4 stars; one submission).

Allele frequency attached by ClinVar (database versions not stated): gnomAD exomes below 0.00001; TOPMed 0.00001.

Submission:

Labcorp Genetics (formerly Invitae), Labcorp
Classification: Uncertain significance. Last evaluated: 2021-06-30. Review status: criteria provided, single submitter. Criteria: Invitae Variant Classification Sherloc (09022015). Collection method: clinical testing. Allele origin: germline.
Comment: This variant, c.884_904del, results in the deletion of 8 and insertion of 1 amino acid(s) of the SYT2 protein (p.Lys295_Val302delinsMet), but otherwise preserves the integrity of the reading frame. This variant is not present in population databases (ExAC no frequency). This variant has not been reported in the literature in individuals affected with SYT2-related conditions. Experimental studies and prediction algorithms are not available or were not evaluated, and the functional significance of this variant is currently unknown. In summary, the available evidence is currently insufficient to determine the role of this variant in disease. Therefore, it has been classified as a Variant of Uncertain Significance.

NM_177402.5(SYT2):c.884_904del (p.Lys295_Val302delinsMet)

Gene: SYT2 (synaptotagmin 2; minus strand). Cytogenetic location: 1q32.1.
Variant type: Deletion.
Coding change: c.884_904del on transcript NM_177402.5 (MANE Select); coding-DNA positions 884 to 904, 21 bases deleted (AGAACCTCAAGAAGATGGACG).
Protein change: p.Lys295_Val302delinsMet.
Molecular consequence: inframe indel.
Genome position (GRCh38, 1-based): chr1:202,600,372-202,600,392, CGTCCATCTTCTTGAGGTTCT deleted on the plus strand (AGAACCTCAAGAAGATGGACG on the coding strand, the reverse complement: SYT2 is on the minus strand). VCF-style (leftmost placement, unchanged base first): chr1-202600371-ACGTCCATCTTCTTGAGGTTCT-A. GRCh37 (hg19) VCF-style: chr1-202569499-ACGTCCATCTTCTTGAGGTTCT-A.
Other names: c.884_904del, p.Lys295_Val302delinsMet (NM_001136504.1).
Identifiers: ClinVar variation 1403546 (VCV001403546.8), dbSNP rs1690456173, ClinGen allele CA2481404479.